The following is an entry in ClinVar:

ClinVar aggregate classification (germline): Uncertain significance (1 of 4 stars; one submission).

Submission:

Labcorp Genetics (formerly Invitae), Labcorp
Classification: Uncertain significance. Last evaluated: 2022-05-05. Review status: criteria provided, single submitter. Criteria: Invitae Variant Classification Sherloc (09022015). Collection method: clinical testing. Allele origin: germline.
Comment: In summary, the available evidence is currently insufficient to determine the role of this variant in disease. Therefore, it has been classified as a Variant of Uncertain Significance. Algorithms developed to predict the effect of sequence changes on RNA splicing suggest that this variant may disrupt the consensus splice site. This variant has not been reported in the literature in individuals affected with GHRHR-related conditions. This variant is not present in population databases (gnomAD no frequency). This sequence change falls in intron 2 of the GHRHR gene. It does not directly change the encoded amino acid sequence of the GHRHR protein.

NM_000823.4(GHRHR):c.161-11T>C

Gene: GHRHR (growth hormone releasing hormone receptor; plus strand). Cytogenetic location: 7p14.3.
Variant type: single nucleotide variant.
Coding change: c.161-11T>C on transcript NM_000823.4 (MANE Select); 11 bases into the intron before coding-DNA position 161, T replaced by C.
Molecular consequence: intron variant.
Genome position (GRCh38, 1-based): chr7:30,969,052, T>C. VCF-style: chr7-30969052-T-C. GRCh37 (hg19) VCF-style: chr7-31008667-T-C.
Identifiers: ClinVar variation 2127953 (VCV002127953.4), dbSNP rs2535094132, ClinGen allele CA2580077046.
Genomic context (GRCh38, chr7:30,969,052, plus strand): 5'-CTCACCCCTCGGATTATTGGGACAGCCCTGCACCTGGGCTGAGTCTCTGCTGCTCCTGGC[T>C]CTCTATCCAGGCTGCCCTGCGACCTGGGATGGGCTGCTGTGCTGGCCAACGGCAGGCTCT-3'